The following is an entry in ClinVar:

ClinVar aggregate classification (germline): Uncertain significance (1 of 4 stars; one submission).

Conditions:
Neuropathy, hereditary sensory and autonomic, type 2A (HSAN2A). Also called: MORVAN DISEASE; NEUROPATHY, CONGENITAL SENSORY; NEUROPATHY, HEREDITARY SENSORY RADICULAR, AUTOSOMAL RECESSIVE; NEUROPATHY, HEREDITARY SENSORY, TYPE IIA; NEUROPATHY, PROGRESSIVE SENSORY, OF CHILDREN; WNK1-Related HSAN2 (HSAN2A). Identifiers: Orphanet 970, MedGen C2752089, MONDO:0024309, OMIM 201300.
Generalized epilepsy with febrile seizures plus, type 7 (GEFSP7). Also called: GEFS+, TYPE 7. Identifiers: Orphanet 36387, MedGen C2751778, MONDO:0013470, OMIM 613863.

Allele frequency attached by ClinVar (database versions not stated): gnomAD 0.00001; gnomAD exomes 0.00001; TOPMed 0.00001.
gnomAD v4.1: 4 of 1,576,114 alleles (0.00025%); highest among the groups gnomAD compares: Admixed American, 0.0037%; no homozygotes.

Submission:

Labcorp Genetics (formerly Invitae), Labcorp
Classification: Uncertain significance for Neuropathy, hereditary sensory and autonomic, type 2A; Generalized epilepsy with febrile seizures plus, type 7. Last evaluated: 2025-11-10. Review status: criteria provided, single submitter. Criteria: Invitae Variant Classification Sherloc (09022015). Collection method: clinical testing. Allele origin: germline.
Comment: This sequence change replaces isoleucine, which is neutral and non-polar, with valine, which is neutral and non-polar, at codon 132 of the SCN9A protein (p.Ile132Val). The frequency data for this variant in the population databases is considered unreliable, as metrics indicate poor data quality at this position in the gnomAD database. This variant has not been reported in the literature in individuals affected with SCN9A-related conditions. ClinVar contains an entry for this variant (Variation ID: 2053096). Invitae Evidence Modeling of protein sequence and biophysical properties (such as structural, functional, and spatial information, amino acid conservation, physicochemical variation, residue mobility, and thermodynamic stability) indicates that this missense variant is not expected to disrupt SCN9A protein function with a negative predictive value of 95%. In summary, the available evidence is currently insufficient to determine the role of this variant in disease. Therefore, it has been classified as a Variant of Uncertain Significance.

NM_001365536.1(SCN9A):c.394A>G (p.Ile132Val)

Gene: SCN9A (sodium voltage-gated channel alpha subunit 9; minus strand). Cytogenetic location: 2q24.3.
Variant type: single nucleotide variant.
Coding change: c.394A>G on transcript NM_001365536.1 (MANE Select); coding-DNA position 394, A replaced by G.
Protein change: p.Ile132Val; replaces isoleucine 132 with valine.
Molecular consequence: missense variant.
Genome position (GRCh38, 1-based): chr2:166,306,583, T>C on the plus strand (A>G on the coding strand, the complement: SCN9A is on the minus strand). VCF-style: chr2-166306583-T-C. GRCh37 (hg19) VCF-style: chr2-167163093-T-C.
Other names: c.394A>G, p.Ile132Val (NM_002977.4); short protein forms I132V.
Identifiers: ClinVar variation 2053096 (VCV002053096.4), dbSNP rs897659085, ClinGen allele CA59809385.